The following is an entry in ClinVar:

NM_001172303.3(MASTL):c.1232T>C (p.Met411Thr)

Gene: MASTL (microtubule associated serine/threonine kinase like; plus strand). Cytogenetic location: 10p12.1.
Variant type: single nucleotide variant.
Coding change: c.1232T>C on transcript NM_001172303.3 (MANE Select); coding-DNA position 1232, T replaced by C.
Protein change: p.Met411Thr; replaces methionine 411 with threonine.
Molecular consequence: missense variant. On other transcripts: non-coding transcript variant (1).
Genome position (GRCh38, 1-based): chr10:27,170,191, T>C. VCF-style: chr10-27170191-T-C. GRCh37 (hg19) VCF-style: chr10-27459120-T-C.
Other names: c.1232T>C, p.Met411Thr (NM_001172304.3, NM_001320756.2, NM_001320757.2 and 1 more transcripts); c.749T>C, p.Met250Thr (NM_001372029.1, NM_001372030.1); short protein forms M411T, M250T.
Identifiers: ClinVar variation 392949 (VCV000392949.2), dbSNP rs1057524713, ClinGen allele CA16606011.

ClinVar aggregate classification (germline): Uncertain significance (1 of 4 stars; one submission).

Allele frequency attached by ClinVar (database versions not stated): gnomAD exomes 0.00001; TOPMed 0.00001; gnomAD 0.00001.
gnomAD v4.1: 6 of 1,614,002 alleles (0.00037%); highest among the groups gnomAD compares: Non-Finnish European, 0.00051%; no homozygotes.

Submission:

GeneDx
Classification: Uncertain significance. Last evaluated: 2017-01-19. Review status: criteria provided, single submitter. Criteria: GeneDx Variant Classification (06012015). Collection method: clinical testing. Allele origin: germline. Affected: yes.
Comment: The M411T variant in the MASTL gene has not been reported previously as a pathogenic variant, nor as a benign variant, to our knowledge. The M411T variant was not observed in approximately 6,500 individuals of European and African American ancestry in the NHLBI Exome Sequencing Project, indicating it is not a common benign variant in these populations. The M411T variant is a non-conservative amino acid substitution, which is likely to impact secondary protein structure as these residues differ in polarity, charge, size and/or other properties. However, this substitution occurs at a position that is not conserved, and in silico analysis predicts this variant likely does not alter the protein structure/function. We interpret M411T as a variant of uncertain significance, which may be related to the reported heavy bruising and bleeding in this individual.